The following is an entry in ClinVar:

NM_001164665.2(KIAA1549):c.8G>A (p.Gly3Glu)

Gene: KIAA1549 (KIAA1549; minus strand). Cytogenetic location: 7q34.
Variant type: single nucleotide variant.
Coding change: c.8G>A on transcript NM_001164665.2 (MANE Select); coding-DNA position 8, G replaced by A.
Protein change: p.Gly3Glu; replaces glycine 3 with glutamic acid.
Molecular consequence: missense variant.
Genome position (GRCh38, 1-based): chr7:138,981,262, C>T on the plus strand (G>A on the coding strand, the complement: KIAA1549 is on the minus strand). VCF-style: chr7-138981262-C-T. GRCh37 (hg19) VCF-style: chr7-138666008-C-T.
Other names: c.8G>A, p.Gly3Glu (NM_020910.3); c.8G>A (NM_001164665.1); short protein forms G3E.
Identifiers: ClinVar variation 1362161 (VCV001362161.4), dbSNP rs1814544586, ClinGen allele CA369382853.

ClinVar aggregate classification (germline): Uncertain significance. Review status: criteria provided, multiple submitters, no conflicts (2 of 4 stars). 2 submissions from 2 submitters: Uncertain significance (2). Last evaluated 2025-04-11.

Conditions:
Inborn genetic diseases. Identifiers: MedGen C0950123, MeSH D030342.

gnomAD v4.1: 1 of 979,704 alleles (0.0001%); highest among the groups gnomAD compares: Non-Finnish European, 0.00012%; no homozygotes.

Submissions (2):

Ambry Genetics
Classification: Uncertain significance for Inborn genetic diseases. Last evaluated: 2025-04-11. Review status: criteria provided, single submitter. Criteria: Ambry Variant Classification Scheme 2023. Collection method: clinical testing. Allele origin: germline.

Labcorp Genetics (formerly Invitae), Labcorp
Classification: Uncertain significance. Last evaluated: 2022-08-16. Review status: criteria provided, single submitter. Criteria: Invitae Variant Classification Sherloc (09022015). Collection method: clinical testing. Allele origin: germline.
Comment: This sequence change replaces glycine, which is neutral and non-polar, with glutamic acid, which is acidic and polar, at codon 3 of the KIAA1549 protein (p.Gly3Glu). The frequency data for this variant in the population databases is considered unreliable, as metrics indicate insufficient coverage at this position in the gnomAD database. This variant has not been reported in the literature in individuals affected with KIAA1549-related conditions. ClinVar contains an entry for this variant (Variation ID: 1362161). Algorithms developed to predict the effect of missense changes on protein structure and function output the following: SIFT: "Deleterious"; PolyPhen-2: "Probably Damaging"; Align-GVGD: "Class C0". The glutamic acid amino acid residue is found in multiple mammalian species, which suggests that this missense change does not adversely affect protein function. In summary, the available evidence is currently insufficient to determine the role of this variant in disease. Therefore, it has been classified as a Variant of Uncertain Significance.